The following is an entry in ClinVar:

NM_000238.4(KCNH2):c.3152+12C>A

Gene: KCNH2 (potassium voltage-gated channel subfamily H member 2; minus strand). Cytogenetic location: 7q36.1.
Variant type: single nucleotide variant.
Coding change: c.3152+12C>A on transcript NM_000238.4 (MANE Select); 12 bases into the intron after coding-DNA position 3152, C replaced by A.
Molecular consequence: intron variant.
Genome position (GRCh38, 1-based): chr7:150,947,316, G>T on the plus strand (C>A on the coding strand, the complement: KCNH2 is on the minus strand). VCF-style: chr7-150947316-G-T. GRCh37 (hg19) VCF-style: chr7-150644404-G-T.
Other names: c.2132+12C>A (NM_172057.3).
Identifiers: ClinVar variation 359305 (VCV000359305.36), dbSNP rs72549420, ClinGen allele CA037216.

ClinVar aggregate classification (germline): Benign/Likely benign. Review status: criteria provided, multiple submitters, no conflicts (2 of 4 stars). 11 submissions from 11 submitters: Benign (6); Likely benign (2). 3 of the submissions do not count toward it. Last evaluated 2026-02-03.

Conditions:
Long QT syndrome (LQTS). Identifiers: MedGen C0023976, MeSH D008133, MONDO:0002442. Disease mechanism: loss of function. Inheritance: Various modes of inheritance.
Long QT syndrome 2 (LQT2). Identifiers: Orphanet 101016, Orphanet 768, MedGen C3150943, MONDO:0013367, OMIM 613688.

Allele frequency attached by ClinVar (database versions not stated): 1000 Genomes Project 0.00160; 1000 Genomes Project 30x 0.00219; ESP Exome Variant Server 0.00226; TOPMed 0.00275; gnomAD 0.00280 and 0.00293; ExAC 0.00468; gnomAD exomes 0.00321 and 0.00344.
gnomAD v4.1: 4,886 of 1,537,348 alleles (0.32%); highest among the groups gnomAD compares: Non-Finnish European, 0.33%; 16 homozygotes.

Submissions (11):

Labcorp Genetics (formerly Invitae), Labcorp
Classification: Benign for Long QT syndrome. Last evaluated: 2026-02-03. Review status: criteria provided, single submitter. Criteria: Invitae Variant Classification Sherloc (09022015). Collection method: clinical testing. Allele origin: germline.

ARUP Laboratories, Molecular Genetics and Genomics, ARUP Laboratories
Classification: Benign. Last evaluated: 2025-02-28. Review status: criteria provided, single submitter. Criteria: ARUP Molecular Germline Variant Investigation Process 2024. Collection method: clinical testing. Allele origin: germline.

Blueprint Genetics
Classification: Benign. Last evaluated: 2024-11-25. Review status: criteria provided, single submitter. Criteria: ACMG Guidelines, 2015. Collection method: clinical testing. Allele origin: germline.

Women's Health and Genetics/Laboratory Corporation of America, LabCorp
Classification: Benign. Last evaluated: 2020-08-17. Review status: criteria provided, single submitter. Criteria: LabCorp Variant Classification Summary - May 2015. Collection method: clinical testing. Allele origin: germline.
Comment: Variant summary: KCNH2 c.3152+12C>A alters a non-conserved nucleotide located close to a canonical splice site and therefore could affect mRNA splicing, leading to a significantly altered protein sequence. 4/4 computational tools predict no significant impact on normal splicing. However, these predictions have yet to be confirmed by functional studies. The variant allele was found at a frequency of 0.0034 in 137952 control chromosomes in the gnomAD database, including 7 homozygotes. The observed variant frequency is approximately 30-fold of the estimated maximal expected allele frequency for a pathogenic variant in KCNH2 causing Arrhythmia phenotype (0.0001), strongly suggesting that the variant is benign. To our knowledge, no occurrence of c.3152+12C>A in individuals affected with Arrhythmia and no experimental evidence demonstrating its impact on protein function have been reported. Three clinical diagnostic laboratories have submitted clinical-significance assessments for this variant to ClinVar after 2014 without evidence for independent evaluation. All laboratories classified the variant as benign (2x) / likely benign (1x). Based on the evidence outlined above, the variant was classified as benign.

Illumina Laboratory Services, Illumina
Classification: Likely benign for Long QT syndrome 2. Last evaluated: 2018-01-12. Review status: criteria provided, single submitter. Criteria: ICSL Variant Classification Criteria 13 December 2019. Collection method: clinical testing. Allele origin: germline.
Comment: This variant was observed in the ICSL laboratory as part of a predisposition screen in an ostensibly healthy population. It had not been previously curated by ICSL or reported in the Human Gene Mutation Database (HGMD: prior to June 1st, 2018), and was therefore a candidate for classification through an automated scoring system. Utilizing variant allele frequency, disease prevalence and penetrance estimates, and inheritance mode, an automated score was calculated to assess if this variant is too frequent to cause the disease. Based on the score and internal cut-off values, a variant classified as likely benign is not then subjected to further curation. The score for this variant resulted in a classification of likely benign for this disease.

Eurofins Ntd Llc (ga)
Classification: Benign. Last evaluated: 2016-12-15. Review status: criteria provided, single submitter. Criteria: EGL Classification Definitions 2015. Collection method: clinical testing. Allele origin: germline. Observed: 1 variant allele, 1 heterozygote.

GeneDx
Classification: Benign. Last evaluated: 2015-03-03. Review status: criteria provided, single submitter. Criteria: GeneDx Variant Classification Process June 2021. Collection method: clinical testing. Allele origin: germline. Affected: yes.

Breakthrough Genomics
Classification: Likely benign. Review status: criteria provided, single submitter. Criteria: ACMG Guidelines, 2015. Collection method: not provided. Allele origin: germline. Inheritance: Autosomal dominant inheritance. Affected: yes.

Clinical Genetics, Academic Medical Center
Classification: Benign. Review status: no assertion criteria provided. Collection method: clinical testing. Allele origin: germline. Affected: yes. Study: VKGL Data-share Consensus. Not counted in ClinVar's aggregate classification.

Genome Diagnostics Laboratory, University Medical Center Utrecht
Classification: Benign. Review status: no assertion criteria provided. Collection method: clinical testing. Allele origin: germline. Affected: yes. Study: VKGL Data-share Consensus. Not counted in ClinVar's aggregate classification.

Joint Genome Diagnostic Labs from Nijmegen and Maastricht, Radboudumc and MUMC+
Classification: Likely benign. Review status: no assertion criteria provided. Collection method: clinical testing. Allele origin: germline. Affected: yes. Study: VKGL Data-share Consensus. Not counted in ClinVar's aggregate classification.

Literature cited by the submitters: PubMed 11468227 (cited by Women's Health and Genetics/Laboratory Corporation of America, LabCorp).